The following is an entry in ClinVar:

ClinVar aggregate classification (germline): Uncertain significance. Review status: criteria provided, multiple submitters, no conflicts (2 of 4 stars). 5 submissions from 5 submitters: Uncertain significance (5). Last evaluated 2025-09-23.

Conditions:
Hereditary cancer-predisposing syndrome. Also called: Hereditary Cancer Syndrome; Neoplastic Syndromes, Hereditary; Hereditary neoplastic syndrome; Tumor predisposition. Identifiers: Orphanet 140162, MedGen C0027672, MeSH D009386, MONDO:0015356.
Familial adenomatous polyposis 1 (FAP1). Also called: FAMILIAL ADENOMATOUS POLYPOSIS 1, ATTENUATED; POLYPOSIS, ADENOMATOUS INTESTINAL. Identifiers: MedGen C2713442, MONDO:0021056, OMIM 175100. Disease mechanism: loss of function.

Allele frequency attached by ClinVar (database versions not stated): TOPMed below 0.00001; gnomAD 0.00001.
gnomAD v4.1: 1 of 1,613,788 alleles (0.000062%); highest among the groups gnomAD compares: African/African-American, 0.0013%; no homozygotes.

Submissions (5):

Ambry Genetics
Classification: Uncertain significance for Hereditary cancer-predisposing syndrome. Last evaluated: 2025-09-23. Review status: criteria provided, single submitter. Criteria: Ambry Variant Classification Scheme 2023. Collection method: clinical testing. Allele origin: germline.
Comment: The p.A2730D variant (also known as c.8189C>A), located in coding exon 15 of the APC gene, results from a C to A substitution at nucleotide position 8189. The alanine at codon 2730 is replaced by aspartic acid, an amino acid with dissimilar properties. This amino acid position is not well conserved in available vertebrate species. In addition, in silico predictors for this gene do not accurately predict pathogenicity. Missense alterations in APC are not a common cause of disease (Spier I et al. Genet Med. 2024 Feb;26(2):100992). Based on the available evidence, the clinical significance of this variant remains unclear.

Color Diagnostics, LLC DBA Color Health
Classification: Uncertain significance for Hereditary cancer-predisposing syndrome. Last evaluated: 2025-09-08. Review status: criteria provided, single submitter. Criteria: ACMG Guidelines, 2015. Collection method: clinical testing. Allele origin: germline.
Comment: This missense variant replaces alanine with aspartic acid at codon 2730 of the APC protein. Computational prediction suggests that this variant may not impact protein structure and function. To our knowledge, functional studies have not been reported for this variant. This variant has not been reported in individuals affected with APC-related disorders in the literature. This variant has not been identified in the general population by the Genome Aggregation Database (gnomAD). The available evidence is insufficient to determine the role of this variant in disease conclusively. Therefore, this variant is classified as a Variant of Uncertain Significance.

Dasa
Classification: Uncertain significance. Last evaluated: 2025-04-26. Review status: criteria provided, single submitter. Criteria: DASA Assertion Criteria. Collection method: clinical testing. Allele origin: germline.
Comment: NM_000038.6(APC):c.8189C>A (p.Ala2730Asp) is a missense variant that results in the substitution of alanine with aspartic acid. This variant is rare in population databases. The currently available literature and clinical evidence are not sufficient to establish a definitive association between this variant and the reported condition. Therefore, this variant is classified as a variant of uncertain significance.

Labcorp Genetics (formerly Invitae), Labcorp
Classification: Uncertain significance for Familial adenomatous polyposis 1. Last evaluated: 2023-11-17. Review status: criteria provided, single submitter. Criteria: Invitae Variant Classification Sherloc (09022015). Collection method: clinical testing. Allele origin: germline.
Comment: This sequence change replaces alanine, which is neutral and non-polar, with aspartic acid, which is acidic and polar, at codon 2730 of the APC protein (p.Ala2730Asp). This variant is not present in population databases (gnomAD no frequency). This variant has not been reported in the literature in individuals affected with APC-related conditions. ClinVar contains an entry for this variant (Variation ID: 1318535). Advanced modeling of protein sequence and biophysical properties (such as structural, functional, and spatial information, amino acid conservation, physicochemical variation, residue mobility, and thermodynamic stability) performed at Invitae indicates that this missense variant is not expected to disrupt APC protein function with a negative predictive value of 95%. In summary, the available evidence is currently insufficient to determine the role of this variant in disease. Therefore, it has been classified as a Variant of Uncertain Significance.

GeneDx
Classification: Uncertain significance. Last evaluated: 2019-07-08. Review status: criteria provided, single submitter. Criteria: GeneDx Variant Classification Process June 2021. Collection method: clinical testing. Allele origin: germline. Affected: yes.
Comment: Not observed in large population cohorts (Lek et al., 2016); In silico analysis, which includes protein predictors and evolutionary conservation, supports that this variant does not alter protein structure/function; Has not been previously published as pathogenic or benign to our knowledge

NM_000038.6(APC):c.8189C>A (p.Ala2730Asp)

Gene: APC (APC regulator of Wnt signaling pathway; plus strand). Cytogenetic location: 5q22.2.
Variant type: single nucleotide variant.
Coding change: c.8189C>A on transcript NM_000038.6 (MANE Select); coding-DNA position 8189, C replaced by A.
Protein change: p.Ala2730Asp; replaces alanine 2730 with aspartic acid.
Molecular consequence: missense variant.
Genome position (GRCh38, 1-based): chr5:112,843,783, C>A. VCF-style: chr5-112843783-C-A. GRCh37 (hg19) VCF-style: chr5-112179480-C-A.
Other names: c.8189C>A, p.Ala2730Asp (NM_001127510.3, NM_001354895.2); c.8135C>A, p.Ala2712Asp (NM_001127511.3); c.8243C>A, p.Ala2748Asp (NM_001354896.2); c.8219C>A, p.Ala2740Asp (NM_001354897.2); c.8114C>A, p.Ala2705Asp (NM_001354898.2); c.8105C>A, p.Ala2702Asp (NM_001354899.2); c.8066C>A, p.Ala2689Asp (NM_001354900.2); c.8012C>A, p.Ala2671Asp (NM_001354901.2); and 5 more; short protein forms A2447D, A2570D, A2604D, A2629D, A2639D, A2671D, A2689D, A2702D.
Identifiers: ClinVar variation 1318535 (VCV001318535.12), dbSNP rs976132108, ClinGen allele CA16039108.